The following is an entry in ClinVar:

ClinVar aggregate classification (germline): Uncertain significance (1 of 4 stars; one submission).

Submission:

GeneDx
Classification: Uncertain significance. Last evaluated: 2019-09-12. Review status: criteria provided, single submitter. Criteria: GeneDx Variant Classification Process June 2021. Collection method: clinical testing. Allele origin: germline. Affected: yes.
Comment: Not observed in large population cohorts (Lek et al., 2016); In silico analysis, which includes protein predictors and evolutionary conservation, supports a deleterious effect; The majority of missense variants in this gene are considered pathogenic (Stenson et al., 2014); Has not been previously published as pathogenic or benign to our knowledge

NM_001330260.2(SCN8A):c.435C>G (p.Asn145Lys)

Gene: SCN8A (sodium voltage-gated channel alpha subunit 8; plus strand). Cytogenetic location: 12q13.13.
Variant type: single nucleotide variant.
Coding change: c.435C>G on transcript NM_001330260.2 (MANE Select); coding-DNA position 435, C replaced by G.
Protein change: p.Asn145Lys; replaces asparagine 145 with lysine.
Molecular consequence: missense variant.
Genome position (GRCh38, 1-based): chr12:51,686,407, C>G. VCF-style: chr12-51686407-C-G. GRCh37 (hg19) VCF-style: chr12-52080191-C-G.
Other names: c.435C>G, p.Asn145Lys (NM_001177984.3, NM_001369788.1, NM_014191.4); short protein forms N145K.
Identifiers: ClinVar variation 1318663 (VCV001318663.2), dbSNP rs1057522588, ClinGen allele CA385221698.